The following is an entry in ClinVar:

ClinVar aggregate classification (germline): Pathogenic (1 of 4 stars; one submission).

Submission:

GeneDx
Classification: Pathogenic. Last evaluated: 2015-08-13. Review status: criteria provided, single submitter. Criteria: GeneDx Variant Classification (06012015). Collection method: clinical testing. Allele origin: germline. Affected: yes.
Comment: The E60X nonsense variant in the TBX5 gene is predicted to cause loss of normal protein function either through protein truncation or nonsense-mediated mRNA decay. Although this variant has not been reported previously to our knowledge, we consider it to be pathogenic.

NM_181486.4(TBX5):c.178G>T (p.Glu60Ter)

Gene: TBX5 (T-box transcription factor 5; minus strand). Cytogenetic location: 12q24.21.
Variant type: single nucleotide variant.
Coding change: c.178G>T on transcript NM_181486.4 (MANE Select); coding-DNA position 178, G replaced by T.
Protein change: p.Glu60Ter; replaces glutamic acid 60 with a stop codon.
Molecular consequence: nonsense.
Genome position (GRCh38, 1-based): chr12:114,401,890, C>A on the plus strand (G>T on the coding strand, the complement: TBX5 is on the minus strand). VCF-style: chr12-114401890-C-A. GRCh37 (hg19) VCF-style: chr12-114839695-C-A.
Other names: c.178G>T, p.Glu60Ter (NM_000192.3); c.28G>T, p.Glu10Ter (NM_080717.4); short protein forms E60*, E10*.
Identifiers: ClinVar variation 419668 (VCV000419668.2), dbSNP rs1064794030, ClinGen allele CA16619437.
Genomic context (GRCh38, chr12:114,401,890, plus strand): 5'-CAGCCTTGGTTATGATCATTTCCGTGCCCACTTCGTGGAATTTTAGCCACAGTTCTCTTT[C>A]ATGGAGAAACACTTTGATTCCCTCCATGCCCTGCAAGAAGGAGAAAAAAGTCACACTAAC-3'